The following is an entry in ClinVar:

ClinVar aggregate classification (germline): Benign/Likely benign. Review status: criteria provided, multiple submitters, no conflicts (2 of 4 stars). 13 submissions from 13 submitters: Benign (7); Likely benign (4). 2 of the submissions do not count toward it. Last evaluated 2026-09-01.

Conditions:
Microcephalic osteodysplastic primordial dwarfism type II (MOPD2). Also called: Microcephalic osteodysplastic primordial dwarfism with tooth abnormalities; OSTEODYSPLASTIC PRIMORDIAL DWARFISM, TYPE II; MOPD II. Identifiers: Orphanet 2637, MedGen C0432246, MONDO:0008872, OMIM 210720.

Allele frequency attached by ClinVar (database versions not stated): 1000 Genomes Project 0.00379; ESP Exome Variant Server 0.00494; gnomAD 0.00589 and 0.00604; gnomAD exomes 0.00596; TOPMed 0.00672; 1000 Genomes Project 30x 0.00359; ExAC 0.00742.
gnomAD v4.1: 10,802 of 1,558,970 alleles (0.69%); highest among the groups gnomAD compares: Middle Eastern, 1.8%; 48 homozygotes.

Submissions (13):

CeGaT Center for Human Genetics Tuebingen
Classification: Likely benign. Last evaluated: 2026-09-01. Review status: criteria provided, single submitter. Criteria: CeGaT Center For Human Genetics Tuebingen Variant Classification Criteria Version 2. Collection method: clinical testing. Allele origin: germline. Affected: yes. Observed: 16 variant alleles.
Comment: PCNT: BP4, BS2

Labcorp Genetics (formerly Invitae), Labcorp
Classification: Benign. Last evaluated: 2026-01-28. Review status: criteria provided, single submitter. Criteria: Invitae Variant Classification Sherloc (09022015). Collection method: clinical testing. Allele origin: germline.

Blueprint Genetics
Classification: Likely benign. Last evaluated: 2024-11-28. Review status: criteria provided, single submitter. Criteria: ACMG Guidelines, 2015. Collection method: clinical testing. Allele origin: germline.

ARUP Laboratories, Molecular Genetics and Genomics, ARUP Laboratories
Classification: Benign for Microcephalic osteodysplastic primordial dwarfism type II. Last evaluated: 2024-07-02. Review status: criteria provided, single submitter. Criteria: ARUP Molecular Germline Variant Investigation Process 2024. Collection method: clinical testing. Allele origin: germline.

Dubai Health Genomic Medicine Center, Dubai Health
Classification: Benign. Last evaluated: 2020-01-02. Review status: criteria provided, single submitter. Criteria: ACMG Guidelines, 2015. Collection method: clinical testing. Allele origin: germline. Affected: yes.

Illumina Laboratory Services, Illumina
Classification: Benign for Microcephalic osteodysplastic primordial dwarfism type II. Last evaluated: 2017-04-27. Review status: criteria provided, single submitter. Criteria: ICSL Variant Classification Criteria 13 December 2019. Collection method: clinical testing. Allele origin: germline.
Comment: This variant was observed as part of a predisposition screen in an ostensibly healthy population. A literature search was performed for the gene, cDNA change, and amino acid change (where applicable). No publications were found based on this search. Allele frequency data from public databases was too high to be consistent with this variant causing disease. Therefore, this variant is classified as benign.

GeneDx
Classification: Benign. Last evaluated: 2017-04-07. Review status: criteria provided, single submitter. Criteria: GeneDx Variant Classification (06012015). Collection method: clinical testing. Allele origin: germline. Affected: yes.
Comment: This variant is considered likely benign or benign based on one or more of the following criteria: it is a conservative change, it occurs at a poorly conserved position in the protein, it is predicted to be benign by multiple in silico algorithms, and/or has population frequency not consistent with disease.

Center for Pediatric Genomic Medicine, Children's Mercy Hospital and Clinics
Classification: Likely benign. Last evaluated: 2016-09-12. Review status: criteria provided, single submitter. Criteria: ACMG Guidelines, 2015. Collection method: clinical testing. Allele origin: germline.
ClinVar note: Converted during submission from Likely Benign to Likely benign.

Genetic Services Laboratory, University of Chicago
Classification: Benign. Last evaluated: 2015-05-11. Review status: criteria provided, single submitter. Criteria: ACMG Guidelines, 2015. Collection method: clinical testing. Allele origin: germline.

Eurofins Ntd Llc (ga)
Classification: Benign. Last evaluated: 2013-08-07. Review status: criteria provided, single submitter. Criteria: EGL Classification Definitions 2015. Collection method: clinical testing. Allele origin: germline. Observed: 1 variant allele, 1 heterozygote.

Breakthrough Genomics
Classification: Likely benign. Review status: criteria provided, single submitter. Criteria: ACMG Guidelines, 2015. Collection method: not provided. Allele origin: germline. Inheritance: Autosomal recessive inheritance. Affected: yes.

Clinical Genetics DNA and cytogenetics Diagnostics Lab, Erasmus MC, Erasmus Medical Center
Classification: Likely benign. Review status: no assertion criteria provided. Collection method: clinical testing. Allele origin: germline. Affected: yes. Study: VKGL Data-share Consensus. Not counted in ClinVar's aggregate classification.

Laboratory of Diagnostic Genome Analysis, Leiden University Medical Center (LUMC)
Classification: Likely benign. Review status: no assertion criteria provided. Collection method: clinical testing. Allele origin: germline. Affected: yes. Study: VKGL Data-share Consensus. Not counted in ClinVar's aggregate classification.

NM_006031.6(PCNT):c.5771C>T (p.Ala1924Val)

Gene: PCNT (pericentrin; plus strand). Cytogenetic location: 21q22.3.
Variant type: single nucleotide variant.
Coding change: c.5771C>T on transcript NM_006031.6 (MANE Select); coding-DNA position 5771, C replaced by T.
Protein change: p.Ala1924Val; replaces alanine 1924 with valine.
Molecular consequence: missense variant.
Genome position (GRCh38, 1-based): chr21:46,411,844, C>T. VCF-style: chr21-46411844-C-T. GRCh37 (hg19) VCF-style: chr21-47831758-C-T.
Other names: c.5417C>T, p.Ala1806Val (NM_001315529.2); short protein forms A1924V, A1806V.
Identifiers: ClinVar variation 95339 (VCV000095339.58), dbSNP rs184420466, ClinGen allele CA148447.